The following is an entry in ClinVar:

ClinVar aggregate classification (germline): Uncertain significance (1 of 4 stars; one submission).

Conditions:
Nemaline myopathy 2 (NEM2). Also called: Nemaline myopathy 2, autosomal recessive. Identifiers: MedGen C1850569, MONDO:0009725, OMIM 256030.

gnomAD v4.1: 2 of 1,549,380 alleles (0.00013%); no homozygotes.

Submission:

Labcorp Genetics (formerly Invitae), Labcorp
Classification: Uncertain significance for Nemaline myopathy 2. Last evaluated: 2022-04-24. Review status: criteria provided, single submitter. Criteria: Invitae Variant Classification Sherloc (09022015). Collection method: clinical testing. Allele origin: germline.
Comment: This sequence change replaces valine, which is neutral and non-polar, with isoleucine, which is neutral and non-polar, at codon 8033 of the NEB protein (p.Val8033Ile). This variant is not present in population databases (gnomAD no frequency). This variant has not been reported in the literature in individuals affected with NEB-related conditions. Algorithms developed to predict the effect of missense changes on protein structure and function are either unavailable or do not agree on the potential impact of this missense change (SIFT: "Deleterious"; PolyPhen-2: "Not Available"; Align-GVGD: "Class C0"). In summary, the available evidence is currently insufficient to determine the role of this variant in disease. Therefore, it has been classified as a Variant of Uncertain Significance.

NM_001164508.2(NEB):c.23992G>A (p.Val7998Ile)

Genes: NEB (nebulin; minus strand), RIF1 (replication timing regulatory factor 1; plus strand). Cytogenetic location: 2q23.3.
Variant type: single nucleotide variant.
Coding change: c.23992G>A on transcript NM_001164508.2 (MANE Select); coding-DNA position 23992, G replaced by A.
Protein change: p.Val7998Ile; replaces valine 7998 with isoleucine.
Molecular consequence: missense variant. On other transcripts: intron variant (1).
Genome position (GRCh38, 1-based): chr2:151,501,420, C>T on the plus strand (G>A on the coding strand, the complement: NEB is on the minus strand). VCF-style: chr2-151501420-C-T. GRCh37 (hg19) VCF-style: chr2-152357934-C-T.
Other names: c.23992G>A, p.Val7998Ile (NM_001164507.2); c.24097G>A, p.Val8033Ile (NM_001271208.2); c.18825+1373G>A (NM_004543.5); short protein forms V7998I, V8033I.
Identifiers: ClinVar variation 1906268 (VCV001906268.2), dbSNP rs2551905899, ClinGen allele CA348780451.